The following is an entry in ClinVar:

NM_000051.4(ATM):c.2800A>G (p.Ser934Gly)

Gene: ATM (ATM serine/threonine kinase; plus strand). Cytogenetic location: 11q22.3.
Variant type: single nucleotide variant.
Coding change: c.2800A>G on transcript NM_000051.4 (MANE Select); coding-DNA position 2800, A replaced by G.
Protein change: p.Ser934Gly; replaces serine 934 with glycine.
Molecular consequence: missense variant.
Genome position (GRCh38, 1-based): chr11:108,268,571, A>G. VCF-style: chr11-108268571-A-G. GRCh37 (hg19) VCF-style: chr11-108139298-A-G.
Other names: c.2800A>G, p.Ser934Gly (NM_001351834.2); short protein forms S934G.
Identifiers: ClinVar variation 489529 (VCV000489529.13), dbSNP rs772054979, ClinGen allele CA6265113.

ClinVar aggregate classification (germline): Uncertain significance. Review status: criteria provided, multiple submitters, no conflicts (2 of 4 stars). 4 submissions from 4 submitters: Uncertain significance (4). Last evaluated 2025-03-04.

Conditions:
Hereditary cancer-predisposing syndrome. Also called: Tumor predisposition; Neoplastic Syndromes, Hereditary; Hereditary Cancer Syndrome; Hereditary neoplastic syndrome. Identifiers: Orphanet 140162, MedGen C0027672, MeSH D009386, MONDO:0015356.
Ataxia-telangiectasia syndrome (AT). Also called: Ataxia-telangiectasia; Ataxia-telangiectasia, complementation group D; AT, COMPLEMENTATION GROUP C; LOUIS-BAR SYNDROME; Cerebello-oculocutaneous telangiectasia; Immunodeficiency with ataxia telangiectasia. Identifiers: Orphanet 100, MedGen C0004135, MONDO:0008840, OMIM 208900.

Allele frequency attached by ClinVar (database versions not stated): gnomAD exomes 0.00001; ExAC 0.00002.
gnomAD v4.1: 12 of 1,614,086 alleles (0.00074%); highest among the groups gnomAD compares: South Asian, 0.012%; no homozygotes.

Submissions (4):

Center for Genomic Medicine, Rigshospitalet, Copenhagen University Hospital
Classification: Uncertain significance. Last evaluated: 2025-03-04. Review status: criteria provided, single submitter. Criteria: ACMG Guidelines, 2015. Collection method: clinical testing. Allele origin: germline.

Ambry Genetics
Classification: Uncertain significance for Hereditary cancer-predisposing syndrome. Last evaluated: 2024-11-19. Review status: criteria provided, single submitter. Criteria: Ambry Variant Classification Scheme 2023. Collection method: clinical testing. Allele origin: germline.
Comment: The p.S934G variant (also known as c.2800A>G), located in coding exon 17 of the ATM gene, results from an A to G substitution at nucleotide position 2800. The serine at codon 934 is replaced by glycine, an amino acid with similar properties. This amino acid position is well conserved in available vertebrate species. In addition, this alteration is predicted to be tolerated by in silico analysis. Based on the available evidence, the clinical significance of this variant remains unclear.

Color Diagnostics, LLC DBA Color Health
Classification: Uncertain significance for Hereditary cancer-predisposing syndrome. Last evaluated: 2023-12-05. Review status: criteria provided, single submitter. Criteria: ACMG Guidelines, 2015. Collection method: clinical testing. Allele origin: germline.
Comment: This missense variant replaces serine with glycine at codon 934 of the ATM protein. Computational prediction suggests that this variant may not impact protein structure and function (internally defined REVEL score threshold <= 0.5, PMID: 27666373). To our knowledge, functional studies have not been reported for this variant. This variant has not been reported in individuals affected with ATM-related disorders in the literature. This variant has been identified in 3/251418 chromosomes in the general population by the Genome Aggregation Database (gnomAD). The available evidence is insufficient to determine the role of this variant in disease conclusively. Therefore, this variant is classified as a Variant of Uncertain Significance.

Labcorp Genetics (formerly Invitae), Labcorp
Classification: Uncertain significance for Ataxia-telangiectasia syndrome. Last evaluated: 2021-09-24. Review status: criteria provided, single submitter. Criteria: Invitae Variant Classification Sherloc (09022015). Collection method: clinical testing. Allele origin: germline.
Comment: This sequence change replaces serine with glycine at codon 934 of the ATM protein (p.Ser934Gly). The serine residue is weakly conserved and there is a small physicochemical difference between serine and glycine. This variant is present in population databases (rs772054979, ExAC 0.01%). This variant has not been reported in the literature in individuals with ATM-related conditions. ClinVar contains an entry for this variant (Variation ID: 489529). Algorithms developed to predict the effect of missense changes on protein structure and function (SIFT, PolyPhen-2, Align-GVGD) all suggest that this variant is likely to be tolerated, but these predictions have not been confirmed by published functional studies and their clinical significance is uncertain. In summary, the available evidence is currently insufficient to determine the role of this variant in disease. Therefore, it has been classified as a Variant of Uncertain Significance.